The following is an entry in ClinVar:

ClinVar aggregate classification (germline): Pathogenic (1 of 4 stars; one submission).

Conditions:
Maple syrup urine disease (MSUD). Identifiers: Orphanet 511, MedGen C0024776, MeSH D008375, MONDO:0009563. Disease mechanism: loss of function.

Submission:

Women's Health and Genetics/Laboratory Corporation of America, LabCorp
Classification: Pathogenic for Maple syrup urine disease. Last evaluated: 2022-08-15. Review status: criteria provided, single submitter. Criteria: LabCorp Variant Classification Summary - May 2015. Collection method: clinical testing. Allele origin: germline.
Comment: Variant summary: The variant identified by MLPA or other technology involves the deletion of exon 11 (last exon) in the DBT gene. A presumed nomenclature of c.(1281+1_1282-1)_(*9334_?)del has been designated for the purposes of this classification. Although exact breakpoints of this deletion are not known, it is expected to result in a large deletion change in the DBT gene, a known mechanism of disease. The variant allele was found at a frequency of 9.1e-05 in 21896 control chromosomes (gnomAD SV and publication data). c.(1281+1_1282-1)_(*9334_?)del has been reported in the literature in multiple compound heterozygous individuals affected with Maple Syrup Urine Disease (Askree_2013, Abadingo_2021). In addition, the variant, also described as DBT (E2) gene 4.7 kb deletion and breakpoints within intron 10 and the 3 non-coding region of the E2 locus (indicating a deletion of exon 11), was found in patients affected with Maple Syrup Urine Disease, including homozygotes (Silao_2004, Chi_2003). These data indicate that the variant is very likely to be associated with disease. To our knowledge, no experimental evidence demonstrating an impact on protein function has been reported. One clinical diagnostic laboratory has submitted clinical-significance assessments for this variant to ClinVar after 2014 without evidence for independent evaluation and classified the variant as pathogenic. Based on the evidence outlined above, the variant was classified as pathogenic.

Literature cited by the submitters: PubMed 24304607; PubMed 33868929; PubMed 14508502; PubMed 14741190.

NC_000001.10:g.(?_100652477)_(100661979_100671785)del

Gene: DBT (dihydrolipoamide branched chain transacylase E2; minus strand). Cytogenetic location: 1p21.2.
Variant type: Deletion.
Identifiers: ClinVar variation 1705103 (VCV001705103.1).